The following is an entry in ClinVar:

ClinVar aggregate classification (germline): Uncertain significance. Review status: criteria provided, multiple submitters, no conflicts (2 of 4 stars). 5 submissions from 5 submitters: Uncertain significance (5). Last evaluated 2026-01-23.

Conditions:
Retinal dystrophy. Also called: Inherited retinal dystrophy. Identifiers: Orphanet 71862, MedGen C0854723, MeSH D058499, MONDO:0019118, HP:0000556.
Retinitis pigmentosa 25 (RP25). Identifiers: Orphanet 791, MedGen C1864446, MONDO:0011272, OMIM 602772.
Retinitis pigmentosa (RP). Identifiers: Orphanet 791, MedGen C0035334, MeSH D012174, MONDO:0019200, OMIM 268000. Inheritance: Autosomal dominant, autosomal recessive and X linked inheritance.

Allele frequency attached by ClinVar (database versions not stated): gnomAD exomes 0.00001.
gnomAD v4.1: 9 of 1,548,182 alleles (0.00058%); highest among the groups gnomAD compares: East Asian, 0.022%; no homozygotes.

Submissions (5):

Myriad Genetics, Inc.
Classification: Uncertain significance for Retinitis pigmentosa 25. Last evaluated: 2026-01-23. Review status: criteria provided, single submitter. Criteria: Myriad Autosomal Dominant, Autosomal Recessive and X-Linked Classification Criteria (2023). Collection method: clinical testing. Allele origin: unknown.
Comment: NM_001142800.1(EYS):c.2287T>C(W763R) is a missense variant classified as a variant of uncertain significance in the context of retinitis pigmentosa, EYS-related. W763R has been observed in a case with relevant disease (PMID: 33090715). Relevant functional assessments of this variant are not available in the literature. W763R has been observed in referenced population frequency databases. In summary, there is insufficient evidence to classify NM_001142800.1(EYS):c.2287T>C(W763R) as pathogenic or benign. Please note: this variant was assessed in the context of healthy population screening.

Labcorp Genetics (formerly Invitae), Labcorp
Classification: Uncertain significance. Last evaluated: 2024-10-25. Review status: criteria provided, single submitter. Criteria: Invitae Variant Classification Sherloc (09022015). Collection method: clinical testing. Allele origin: germline.
Comment: This sequence change replaces tryptophan, which is neutral and slightly polar, with arginine, which is basic and polar, at codon 763 of the EYS protein (p.Trp763Arg). This variant is present in population databases (no rsID available, gnomAD 0.01%). This missense change has been observed in individual(s) with retinitis pigmentosa (PMID: 33090715). ClinVar contains an entry for this variant (Variation ID: 357729). Invitae Evidence Modeling of protein sequence and biophysical properties (such as structural, functional, and spatial information, amino acid conservation, physicochemical variation, residue mobility, and thermodynamic stability) has been performed for this missense variant. However, the output from this modeling did not meet the statistical confidence thresholds required to predict the impact of this variant on EYS protein function. In summary, the available evidence is currently insufficient to determine the role of this variant in disease. Therefore, it has been classified as a Variant of Uncertain Significance.

Dept Of Ophthalmology, Nagoya University
Classification: Uncertain significance for Retinal dystrophy. Last evaluated: 2023-10-01. Review status: criteria provided, single submitter. Criteria: Submitter's publication. Collection method: research. Allele origin: germline. Affected: yes.

Illumina Laboratory Services, Illumina
Classification: Uncertain significance for Retinitis pigmentosa. Last evaluated: 2018-01-12. Review status: criteria provided, single submitter. Criteria: ICSL Variant Classification Criteria 13 December 2019. Collection method: clinical testing. Allele origin: germline.

Juno Genomics, Hangzhou Juno Genomics, Inc
Classification: Uncertain significance for Retinitis pigmentosa 25. Review status: criteria provided, single submitter. Criteria: ACMG Guidelines, 2015. Collection method: clinical testing. Allele origin: germline.
Comment: Absent from controls (or at extremely low frequency if recessive) in Genome Aggregation Database.;Multiple lines of computational evidence support a deleterious effect on the gene or gene product.

Literature cited by the submitters: PubMed 33090715 (cited by Myriad Genetics, Inc. and Labcorp Genetics (formerly Invitae), Labcorp).

NM_001142800.2(EYS):c.2287T>C (p.Trp763Arg)

Gene: EYS (EGF-like photoreceptor maintenance factor; minus strand). Cytogenetic location: 6q12.
Variant type: single nucleotide variant.
Coding change: c.2287T>C on transcript NM_001142800.2 (MANE Select); coding-DNA position 2287, T replaced by C.
Protein change: p.Trp763Arg; replaces tryptophan 763 with arginine.
Molecular consequence: missense variant.
Genome position (GRCh38, 1-based): chr6:64,945,887, A>G on the plus strand (T>C on the coding strand, the complement: EYS is on the minus strand). VCF-style: chr6-64945887-A-G. GRCh37 (hg19) VCF-style: chr6-65655780-A-G.
Other names: c.2287T>C, p.Trp763Arg (NM_001292009.2); short protein forms W763R.
Identifiers: ClinVar variation 357729 (VCV000357729.12), dbSNP rs886061684, ClinGen allele CA10622599.